The following is an entry in ClinVar:

ClinVar aggregate classification (germline): Uncertain significance (1 of 4 stars; one submission).

gnomAD v4.1: 2 of 1,607,480 alleles (0.00012%); highest among the groups gnomAD compares: South Asian, 0.0022%; no homozygotes.

Submission:

Labcorp Genetics (formerly Invitae), Labcorp
Classification: Uncertain significance. Last evaluated: 2022-11-14. Review status: criteria provided, single submitter. Criteria: Invitae Variant Classification Sherloc (09022015). Collection method: clinical testing. Allele origin: germline.
Comment: Algorithms developed to predict the effect of missense changes on protein structure and function are either unavailable or do not agree on the potential impact of this missense change (SIFT: "Not Available"; PolyPhen-2: "Benign"; Align-GVGD: "Not Available"). This sequence change replaces leucine, which is neutral and non-polar, with isoleucine, which is neutral and non-polar, at codon 301 of the NTHL1 protein (p.Leu301Ile). This variant is not present in population databases (gnomAD no frequency). This variant has not been reported in the literature in individuals affected with NTHL1-related conditions. In summary, the available evidence is currently insufficient to determine the role of this variant in disease. Therefore, it has been classified as a Variant of Uncertain Significance.

NM_002528.7(NTHL1):c.877C>A (p.Leu293Ile)

Gene: NTHL1 (nth like DNA glycosylase 1; minus strand). Cytogenetic location: 16p13.3.
Variant type: single nucleotide variant.
Coding change: c.877C>A on transcript NM_002528.7 (MANE Select); coding-DNA position 877, C replaced by A.
Protein change: p.Leu293Ile; replaces leucine 293 with isoleucine.
Molecular consequence: missense variant.
Genome position (GRCh38, 1-based): chr16:2,039,962, G>T on the plus strand (C>A on the coding strand, the complement: NTHL1 is on the minus strand). VCF-style: chr16-2039962-G-T. GRCh37 (hg19) VCF-style: chr16-2089963-G-T.
Other names: c.706C>A, p.Leu236Ile (NM_001318193.2); c.547C>A, p.Leu183Ile (NM_001318194.2); short protein forms L183I, L293I, L236I.
Identifiers: ClinVar variation 2810668 (VCV002810668.3), dbSNP rs200420874, ClinGen allele CA394287114.